The following is an entry in ClinVar:

ClinVar aggregate classification (germline): Uncertain significance. Review status: criteria provided, multiple submitters, no conflicts (2 of 4 stars). 3 submissions from 3 submitters: Uncertain significance (3). Last evaluated 2025-11-18.

Conditions:
Age related macular degeneration 1 (ARMD1). Also called: MACULOPATHY, AGE-RELATED, 1. Identifiers: MedGen C1864205, MONDO:0011285, OMIM 603075.

Allele frequency attached by ClinVar (database versions not stated): gnomAD 0.00015 and 0.00014; TOPMed 0.00019; ESP Exome Variant Server 0.00023; 1000 Genomes Project 0.00040; 1000 Genomes Project 30x 0.00062; gnomAD exomes 0.00005 and 0.00006; ExAC 0.00009.
gnomAD v4.1: 93 of 1,613,338 alleles (0.0058%); highest among the groups gnomAD compares: African/African-American, 0.033%; no homozygotes.

Submissions (3):

Labcorp Genetics (formerly Invitae), Labcorp
Classification: Uncertain significance. Last evaluated: 2025-11-18. Review status: criteria provided, single submitter. Criteria: Invitae Variant Classification Sherloc (09022015). Collection method: clinical testing. Allele origin: germline.
Comment: This sequence change replaces valine, which is neutral and non-polar, with methionine, which is neutral and non-polar, at codon 1713 of the HMCN1 protein (p.Val1713Met). This variant is present in population databases (rs140990615, gnomAD 0.05%). This variant has not been reported in the literature in individuals affected with HMCN1-related conditions. ClinVar contains an entry for this variant (Variation ID: 1400763). An algorithm developed to predict the effect of missense changes on protein structure and function (PolyPhen-2) suggests that this variant is likely to be disruptive. In summary, the available evidence is currently insufficient to determine the role of this variant in disease. Therefore, it has been classified as a Variant of Uncertain Significance.

Genome-Nilou Lab
Classification: Uncertain significance for Age related macular degeneration 1. Last evaluated: 2023-04-11. Review status: criteria provided, single submitter. Criteria: ACMG Guidelines, 2015. Collection method: clinical testing. Allele origin: germline. Affected: no.

Ambry Genetics
Classification: Uncertain significance. Last evaluated: 2021-07-21. Review status: criteria provided, single submitter. Criteria: Ambry Variant Classification Scheme 2023. Collection method: clinical testing. Allele origin: germline.

NM_031935.3(HMCN1):c.5137G>A (p.Val1713Met)

Gene: HMCN1 (hemicentin 1; plus strand). Cytogenetic location: 1q31.1.
Variant type: single nucleotide variant.
Coding change: c.5137G>A on transcript NM_031935.3 (MANE Select); coding-DNA position 5137, G replaced by A.
Protein change: p.Val1713Met; replaces valine 1713 with methionine.
Molecular consequence: missense variant.
Genome position (GRCh38, 1-based): chr1:186,016,185, G>A. VCF-style: chr1-186016185-G-A. GRCh37 (hg19) VCF-style: chr1-185985317-G-A.
Other names: c.5137G>A (NM_031935.2); short protein forms V1713M.
Identifiers: ClinVar variation 1400763 (VCV001400763.10), dbSNP rs140990615, ClinGen allele CA1292186.